The following is an entry in ClinVar:

NM_014244.5(ADAMTS2):c.935A>G (p.Asn312Ser)

Gene: ADAMTS2 (ADAM metallopeptidase with thrombospondin type 1 motif 2; minus strand). Cytogenetic location: 5q35.3.
Variant type: single nucleotide variant.
Coding change: c.935A>G on transcript NM_014244.5 (MANE Select); coding-DNA position 935, A replaced by G.
Protein change: p.Asn312Ser; replaces asparagine 312 with serine.
Molecular consequence: missense variant.
Genome position (GRCh38, 1-based): chr5:179,181,112, T>C on the plus strand (A>G on the coding strand, the complement: ADAMTS2 is on the minus strand). VCF-style: chr5-179181112-T-C. GRCh37 (hg19) VCF-style: chr5-178608113-T-C.
Other names: p.Asn312Ser; c.935A>G, p.Asn312Ser (NM_021599.4); short protein forms N312S.
Identifiers: ClinVar variation 373235 (VCV000373235.14), dbSNP rs528367185, ClinGen allele CA3596097.

ClinVar aggregate classification (germline): Uncertain significance. Review status: criteria provided, multiple submitters, no conflicts (2 of 4 stars). 9 submissions from 9 submitters: Uncertain significance (8). 1 of the submissions does not count toward it. Last evaluated 2025-11-09.

Conditions:
Ehlers-Danlos syndrome, dermatosparaxis type. Also called: Ehlers-Danlos syndrome, type VII, autosomal recessive; EDS VIIC; Dermatosparaxis. Identifiers: Orphanet 1901, MedGen C2700425, MONDO:0009161, OMIM 225410.
Ehlers-Danlos syndrome (EDS). Identifiers: Orphanet 98249, MedGen C0013720, MONDO:0020066.
Inborn genetic diseases. Identifiers: MedGen C0950123, MeSH D030342.

Allele frequency attached by ClinVar (database versions not stated): gnomAD 0.00010; 1000 Genomes Project 30x 0.00016; TOPMed 0.00016; 1000 Genomes Project 0.00020.
gnomAD v4.1: 242 of 1,614,018 alleles (0.015%); highest among the groups gnomAD compares: Admixed American, 0.098%; no homozygotes.

Submissions (9):

Mayo Clinic Laboratories, Mayo Clinic
Classification: Uncertain significance. Last evaluated: 2025-11-09. Review status: criteria provided, single submitter. Criteria: ACMG Guidelines, 2015. Collection method: clinical testing. Allele origin: germline. Observed: 1 variant allele.
Comment: BP1

Blueprint Genetics
Classification: Uncertain significance. Last evaluated: 2024-02-13. Review status: criteria provided, single submitter. Criteria: ACMG Guidelines, 2015. Collection method: clinical testing. Allele origin: germline.

Ambry Genetics
Classification: Uncertain significance for Inborn genetic diseases. Last evaluated: 2022-12-05. Review status: criteria provided, single submitter. Criteria: Ambry Variant Classification Scheme 2023. Collection method: clinical testing. Allele origin: germline.

Labcorp Genetics (formerly Invitae), Labcorp
Classification: Uncertain significance for Ehlers-Danlos syndrome, dermatosparaxis type. Last evaluated: 2022-08-12. Review status: criteria provided, single submitter. Criteria: Invitae Variant Classification Sherloc (09022015). Collection method: clinical testing. Allele origin: germline.
Comment: This sequence change replaces asparagine, which is neutral and polar, with serine, which is neutral and polar, at codon 312 of the ADAMTS2 protein (p.Asn312Ser). This variant is present in population databases (rs528367185, gnomAD 0.08%). This variant has not been reported in the literature in individuals affected with ADAMTS2-related conditions. ClinVar contains an entry for this variant (Variation ID: 373235). Algorithms developed to predict the effect of missense changes on protein structure and function (SIFT, PolyPhen-2, Align-GVGD) all suggest that this variant is likely to be disruptive. Algorithms developed to predict the effect of sequence changes on RNA splicing suggest that this variant may create or strengthen a splice site. In summary, the available evidence is currently insufficient to determine the role of this variant in disease. Therefore, it has been classified as a Variant of Uncertain Significance.

Genome Diagnostics Laboratory, The Hospital for Sick Children
Classification: Uncertain significance for Ehlers-Danlos syndrome. Last evaluated: 2022-07-13. Review status: criteria provided, single submitter. Criteria: ACMG Guidelines, 2015. Collection method: clinical testing. Allele origin: germline.

Fulgent Genetics
Classification: Uncertain significance for Ehlers-Danlos syndrome, dermatosparaxis type. Last evaluated: 2021-11-29. Review status: criteria provided, single submitter. Criteria: ACMG Guidelines, 2015. Collection method: clinical testing. Allele origin: unknown.

Revvity Omics, Revvity
Classification: Uncertain significance for Ehlers-Danlos syndrome, dermatosparaxis type. Last evaluated: 2020-12-03. Review status: criteria provided, single submitter. Criteria: ACMG Guidelines, 2015. Collection method: clinical testing. Allele origin: germline.

GeneDx
Classification: Uncertain significance. Last evaluated: 2016-11-22. Review status: criteria provided, single submitter. Criteria: GeneDx Variant Classification (06012015). Collection method: clinical testing. Allele origin: germline. Affected: yes.
Comment: The N312S variant in the ADAMTS2 gene has not been reported previously as a pathogenic variant, nor as a benign variant, to our knowledge. This variant was not observed in approximately 6500 individuals of European and African American ancestry in the NHLBI Exome Sequencing Project, indicating it is not a common benign variant in these populations. The N312S variant is a conservative amino acid substitution, which is not likely to impact secondary protein structure as these residues share similar properties. This substitution occurs at a position that is conserved across species. In silico analysis predicts this variant is probably damaging to the protein structure/function. We interpret N312S as a variant of uncertain significance.

Natera, Inc.
Classification: Uncertain significance for Ehlers-Danlos syndrome type VIIC. Last evaluated: 2020-01-24. Review status: no assertion criteria provided. Collection method: clinical testing. Allele origin: germline. Not counted in ClinVar's aggregate classification.